The following is an entry in ClinVar:

NC_000023.10:g.(?_129263532)_(129272696_?)dup

Gene: AIFM1 (apoptosis inducing factor mitochondria associated 1; minus strand). Cytogenetic location: Xq26.1.
Variant type: Duplication.
Identifiers: ClinVar variation 2425040 (VCV002425040.4).

ClinVar aggregate classification (germline): Uncertain significance (1 of 4 stars; one submission).

Conditions:
Charcot-Marie-Tooth Neuropathy X. Identifiers: MedGen CN118851.
Combined oxidative phosphorylation deficiency. Identifiers: MedGen C4540031, MONDO:0000732.

Submission:

Labcorp Genetics (formerly Invitae), Labcorp
Classification: Uncertain significance for Charcot-Marie-Tooth Neuropathy X; Combined oxidative phosphorylation deficiency. Last evaluated: 2022-07-14. Review status: criteria provided, single submitter. Criteria: Invitae Variant Classification Sherloc (09022015). Collection method: clinical testing. Allele origin: germline.
Comment: In summary, the available evidence is currently insufficient to determine the role of this variant in disease. Therefore, it has been classified as a Variant of Uncertain Significance. This variant has not been reported in the literature in individuals affected with AIFM1-related conditions. This variant results in a copy number gain of the genomic region encompassing exon(s) 9-16 of the AIFM1 gene. This region includes the termination codon of the gene. This copy number gain extends beyond the assayed region for this gene and therefore may encompass additional genes. As the precise location of this event is unknown, it may be in tandem or it may be located elsewhere in the genome.